The following is an entry in ClinVar:

NM_000222.3(KIT):c.317C>T (p.Ser106Phe)

Gene: KIT (KIT proto-oncogene, receptor tyrosine kinase; plus strand). Cytogenetic location: 4q12.
Variant type: single nucleotide variant.
Coding change: c.317C>T on transcript NM_000222.3 (MANE Select); coding-DNA position 317, C replaced by T.
Protein change: p.Ser106Phe; replaces serine 106 with phenylalanine.
Molecular consequence: missense variant.
Genome position (GRCh38, 1-based): chr4:54,695,761, C>T. VCF-style: chr4-54695761-C-T. GRCh37 (hg19) VCF-style: chr4-55561927-C-T.
Other names: c.317C>T, p.Ser106Phe (NM_001093772.2, NM_001385284.1, NM_001385285.1 and 4 more transcripts); short protein forms S106F.
Identifiers: ClinVar variation 1485670 (VCV001485670.8), dbSNP rs779652404, ClinGen allele CA2923202.
Genomic context (GRCh38, chr4:54,695,761, plus strand): 5'-AGGCAGAAGCCACCAACACCGGCAAATACACGTGCACCAACAAACACGGCTTAAGCAATT[C>T]CATTTATGTGTTTGTTAGAGGTAAATGCTTGGCTTTCTGCAGTGCTGTGCTTTCAAGAAT-3'
Protein context (NP_000213.1, residues 96-116): TCTNKHGLSN[Ser106Phe]IYVFVRDPAK

ClinVar aggregate classification (germline): Uncertain significance (1 of 4 stars; one submission).

Conditions:
Gastrointestinal stromal tumor. Also called: Gastrointestinal stroma tumor; Gastrointestinal stromal tumor, somatic. Identifiers: Orphanet 44890, MedGen C0238198, MeSH D046152, MONDO:0011719, OMIM 606764, HP:0100723.

Allele frequency attached by ClinVar (database versions not stated): gnomAD exomes below 0.00001 and 0.00001; TOPMed below 0.00001; ExAC 0.00001.
gnomAD v4.1: 5 of 1,614,218 alleles (0.00031%); highest among the groups gnomAD compares: South Asian, 0.0055%; no homozygotes.

Submission:

Labcorp Genetics (formerly Invitae), Labcorp
Classification: Uncertain significance for Gastrointestinal stromal tumor. Last evaluated: 2025-08-06. Review status: criteria provided, single submitter. Criteria: Invitae Variant Classification Sherloc (09022015). Collection method: clinical testing. Allele origin: germline.
Comment: This sequence change replaces serine, which is neutral and polar, with phenylalanine, which is neutral and non-polar, at codon 106 of the KIT protein (p.Ser106Phe). This variant is present in population databases (rs779652404, gnomAD 0.006%). This missense change has been observed in individual(s) with piebaldism (PMID: 36669190). ClinVar contains an entry for this variant (Variation ID: 1485670). An algorithm developed to predict the effect of missense changes on protein structure and function (PolyPhen-2) suggests that this variant is likely to be disruptive. In summary, the available evidence is currently insufficient to determine the role of this variant in disease. Therefore, it has been classified as a Variant of Uncertain Significance.

Literature cited by the submitters: PubMed 36669190.